The following is an entry in ClinVar:

ClinVar aggregate classification (germline): Likely benign. Review status: criteria provided, multiple submitters, no conflicts (2 of 4 stars). 2 submissions from 2 submitters: Likely benign (2). Last evaluated 2025-09-01.

Conditions:
Dilated cardiomyopathy 1O (CMD1O). Also called: CARDIOMYOPATHY, DILATED, WITH VENTRICULAR TACHYCARDIA. Identifiers: Orphanet 154, MedGen C1837839, MONDO:0012062, OMIM 608569.

Allele frequency attached by ClinVar (database versions not stated): gnomAD exomes below 0.00001; TOPMed below 0.00001.
gnomAD v4.1: 2 of 1,597,422 alleles (0.00013%); highest among the groups gnomAD compares: Non-Finnish European, 0.00017%; no homozygotes.

Submissions (2):

CeGaT Center for Human Genetics Tuebingen
Classification: Likely benign. Last evaluated: 2025-09-01. Review status: criteria provided, single submitter. Criteria: CeGaT Center For Human Genetics Tuebingen Variant Classification Criteria Version 2. Collection method: clinical testing. Allele origin: germline. Affected: yes. Observed: 1 variant allele.
Comment: ABCC9: BP4, BP7

Labcorp Genetics (formerly Invitae), Labcorp
Classification: Likely benign for Dilated cardiomyopathy 1O. Last evaluated: 2024-02-24. Review status: criteria provided, single submitter. Criteria: Invitae Variant Classification Sherloc (09022015). Collection method: clinical testing. Allele origin: germline.

NM_020297.4(ABCC9):c.4209T>C (p.Ile1403=)

Genes: KCNJ8-AS1 (KCNJ8 antisense RNA 1; plus strand), ABCC9 (ATP binding cassette subfamily C member 9; minus strand). Cytogenetic location: 12p12.1.
Variant type: single nucleotide variant.
Coding change: c.4209T>C on transcript NM_020297.4 (MANE Select); coding-DNA position 4209, T replaced by C.
Protein change: p.Ile1403=; no amino-acid change (isoleucine 1403 retained).
Molecular consequence: synonymous variant.
Genome position (GRCh38, 1-based): chr12:21,812,051, A>G on the plus strand (T>C on the coding strand, the complement: ABCC9 is on the minus strand). VCF-style: chr12-21812051-A-G. GRCh37 (hg19) VCF-style: chr12-21964985-A-G.
Other names: c.4209T>C, p.Ile1403= (NM_001377273.1, NM_005691.4); c.3342T>C, p.Ile1114= (NM_001377274.1).
Identifiers: ClinVar variation 1652056 (VCV001652056.15), dbSNP rs1942280044, ClinGen allele CA478869988.